The following is an entry in ClinVar:

NM_000212.3(ITGB3):c.2357G>A (p.Arg786Gln)

Genes: EFCAB13-DT (EFCAB13 divergent transcript; minus strand), ITGB3 (integrin subunit beta 3; plus strand). Cytogenetic location: 17q21.32.
Variant type: single nucleotide variant.
Coding change: c.2357G>A on transcript NM_000212.3 (MANE Select); coding-DNA position 2357, G replaced by A.
Protein change: p.Arg786Gln; replaces arginine 786 with glutamine.
Molecular consequence: missense variant.
Genome position (GRCh38, 1-based): chr17:47,310,194, G>A. VCF-style: chr17-47310194-G-A. GRCh37 (hg19) VCF-style: chr17-45387560-G-A.
Other names: short protein forms R786Q.
Identifiers: ClinVar variation 3356576 (VCV003356576.1).

ClinVar aggregate classification (germline): Uncertain significance (0 of 4 stars; one submission).

Conditions:
ITGB3-related disorder. Also called: ITGB3-related condition.

gnomAD v4.1: 22 of 1,613,668 alleles (0.0014%); highest among the groups gnomAD compares: African/African-American, 0.0094%; no homozygotes.

Submission:

PreventionGenetics, part of Exact Sciences
Classification: Uncertain significance for ITGB3-related condition. Last evaluated: 2024-04-25. Review status: no assertion criteria provided. Collection method: clinical testing. Allele origin: germline.
Comment: The ITGB3 c.2357G>A variant is predicted to result in the amino acid substitution p.Arg786Gln. To our knowledge, this variant has not been reported in the literature. This variant is reported in 0.012% of alleles in individuals of African descent in gnomAD. At this time, the clinical significance of this variant is uncertain due to the absence of conclusive functional and genetic evidence.